The following is an entry in ClinVar:

NM_000245.4(MET):c.4141A>G (p.Thr1381Ala)

Gene: MET (MET proto-oncogene, receptor tyrosine kinase; plus strand). Cytogenetic location: 7q31.2.
Variant type: single nucleotide variant.
Coding change: c.4141A>G on transcript NM_000245.4 (MANE Select); coding-DNA position 4141, A replaced by G.
Protein change: p.Thr1381Ala; replaces threonine 1381 with alanine.
Molecular consequence: missense variant.
Genome position (GRCh38, 1-based): chr7:116,796,092, A>G. VCF-style: chr7-116796092-A-G. GRCh37 (hg19) VCF-style: chr7-116436146-A-G.
Other names: c.4195A>G (LRG_662t1); c.4195A>G, p.Thr1399Ala (NM_001127500.3); c.2851A>G, p.Thr951Ala (NM_001324402.2); short protein forms T1399A, T951A, T1381A.
Identifiers: ClinVar variation 524885 (VCV000524885.20), dbSNP rs1292389793, ClinGen allele CA369118480.

ClinVar aggregate classification (germline): Uncertain significance. Review status: criteria provided, multiple submitters, no conflicts (2 of 4 stars). 7 submissions from 7 submitters: Uncertain significance (7). Last evaluated 2025-12-29.

Conditions:
Renal cell carcinoma. Identifiers: Orphanet 217071, MedGen C0007134, MeSH D002292, MONDO:0005086, HP:0005584.
Autosomal recessive nonsyndromic hearing loss 97. Also called: Deafness, autosomal recessive 97. Identifiers: Orphanet 90636, MedGen C4084709, MONDO:0014739, OMIM 616705.
Hereditary cancer-predisposing syndrome. Also called: Neoplastic Syndromes, Hereditary; Hereditary neoplastic syndrome; Tumor predisposition; Hereditary Cancer Syndrome. Identifiers: Orphanet 140162, MedGen C0027672, MeSH D009386, MONDO:0015356.

Allele frequency attached by ClinVar (database versions not stated): gnomAD exomes below 0.00001; TOPMed 0.00001.
gnomAD v4.1: 5 of 1,614,166 alleles (0.00031%); highest among the groups gnomAD compares: East Asian, 0.0045%; no homozygotes.

Submissions (7):

Center for Genomic Medicine, Rigshospitalet, Copenhagen University Hospital
Classification: Uncertain significance. Last evaluated: 2025-12-29. Review status: criteria provided, single submitter. Criteria: ACMG Guidelines, 2015. Collection method: clinical testing. Allele origin: germline.

Labcorp Genetics (formerly Invitae), Labcorp
Classification: Uncertain significance for Renal cell carcinoma. Last evaluated: 2025-10-06. Review status: criteria provided, single submitter. Criteria: Invitae Variant Classification Sherloc (09022015). Collection method: clinical testing. Allele origin: germline.
Comment: This sequence change replaces threonine, which is neutral and polar, with alanine, which is neutral and non-polar, at codon 1399 of the MET protein (p.Thr1399Ala). This variant is present in population databases (no rsID available, gnomAD 0.003%). This variant has not been reported in the literature in individuals affected with MET-related conditions. ClinVar contains an entry for this variant (Variation ID: 524885). An algorithm developed to predict the effect of missense changes on protein structure and function (PolyPhen-2) suggests that this variant is likely to be disruptive. In summary, the available evidence is currently insufficient to determine the role of this variant in disease. Therefore, it has been classified as a Variant of Uncertain Significance.

Ambry Genetics
Classification: Uncertain significance for Hereditary cancer-predisposing syndrome. Last evaluated: 2025-05-22. Review status: criteria provided, single submitter. Criteria: Ambry Variant Classification Scheme 2023. Collection method: clinical testing. Allele origin: germline.
Comment: The p.T1399A variant (also known as c.4195A>G), located in coding exon 20 of the MET gene, results from an A to G substitution at nucleotide position 4195. The threonine at codon 1399 is replaced by alanine, an amino acid with similar properties. This amino acid position is highly conserved in available vertebrate species. In addition, this alteration is predicted to be tolerated by in silico analysis. Based on the available evidence, the clinical significance of this variant remains unclear.

Baylor Genetics
Classification: Uncertain significance for Autosomal recessive nonsyndromic hearing loss 97. Last evaluated: 2024-02-16. Review status: criteria provided, single submitter. Criteria: ACMG Guidelines, 2015. Collection method: clinical testing. Allele origin: unknown.

GeneDx
Classification: Uncertain significance. Last evaluated: 2023-03-20. Review status: criteria provided, single submitter. Criteria: GeneDx Variant Classification Process June 2021. Collection method: clinical testing. Allele origin: germline. Affected: yes.
Comment: Not observed at significant frequency in large population cohorts (gnomAD); In silico analysis supports that this missense variant does not alter protein structure/function; Observed in an individual with acute lymphoblastic leukemia (Zhang et al., 2015); This variant is associated with the following publications: (PMID: 28481359, 26580448)

Sema4
Classification: Uncertain significance for Hereditary cancer-predisposing syndrome. Last evaluated: 2021-09-07. Review status: criteria provided, single submitter. Criteria: Sema4 Curation Guidelines. Collection method: curation. Allele origin: germline.
Comment: The MET c.4195A>G (p.T1399A) variant has not been reported in the literature to our knowledge. It was observed in 1/249180 chromosomes in the large and broad cohorts of the Genome Aggregation Database (PMID: 32461654). The variant has been reported in ClinVar (Variation ID: 524885). Functional studies have not been performed and in silico predictions of the variant's effect on protein function are inconclusive. The evidence is insufficient to meet ACMG/AMP criteria for classifying the variant as benign or pathogenic. Thus, the clinical significance of this variant is currently uncertain.

Quest Diagnostics Nichols Institute San Juan Capistrano
Classification: Uncertain significance. Last evaluated: 2021-09-02. Review status: criteria provided, single submitter. Criteria: Quest Diagnostics criteria. Collection method: clinical testing. Allele origin: unknown.